The following is an entry in ClinVar:

NM_001161352.2(KCNMA1):c.2078G>A (p.Cys693Tyr)

Gene: KCNMA1 (potassium calcium-activated channel subfamily M alpha 1; minus strand). Cytogenetic location: 10q22.3.
Variant type: single nucleotide variant.
Coding change: c.2078G>A on transcript NM_001161352.2 (MANE Select); coding-DNA position 2078, G replaced by A.
Protein change: p.Cys693Tyr; replaces cysteine 693 with tyrosine.
Molecular consequence: missense variant.
Genome position (GRCh38, 1-based): chr10:77,011,981, C>T on the plus strand (G>A on the coding strand, the complement: KCNMA1 is on the minus strand). VCF-style: chr10-77011981-C-T. GRCh37 (hg19) VCF-style: chr10-78771739-C-T.
Other names: c.2090G>A, p.Cys697Tyr (NM_001014797.3, NM_001322830.2, NM_001322835.2 and 1 more transcripts); c.2078G>A, p.Cys693Tyr (NM_001161353.2, NM_001271519.2, NM_001322829.2 and 3 more transcripts); c.1928G>A, p.Cys643Tyr (NM_001271518.2); c.1538G>A, p.Cys513Tyr (NM_001322838.2); short protein forms C513Y, C697Y, C643Y, C693Y.
Identifiers: ClinVar variation 946813 (VCV000946813.10), dbSNP rs2090878635, ClinGen allele CA377407100.

ClinVar aggregate classification (germline): Uncertain significance (1 of 4 stars; one submission).

Conditions:
Generalized epilepsy-paroxysmal dyskinesia syndrome (PNKD3). Also called: Paroxysmal nonkinesigenic dyskinesia, 3, with or without generalized epilepsy; Generalized epilepsy and paroxysmal dyskinesia. Identifiers: Orphanet 79137, MedGen C5574945, MONDO:0012276, OMIM 609446.

Submission:

Labcorp Genetics (formerly Invitae), Labcorp
Classification: Uncertain significance for Generalized epilepsy-paroxysmal dyskinesia syndrome. Last evaluated: 2019-06-20. Review status: criteria provided, single submitter. Criteria: Invitae Variant Classification Sherloc (09022015). Collection method: clinical testing. Allele origin: germline.
Comment: In summary, the available evidence is currently insufficient to determine the role of this variant in disease. Therefore, it has been classified as a Variant of Uncertain Significance. Algorithms developed to predict the effect of missense changes on protein structure and function are either unavailable or do not agree on the potential impact of this missense change (SIFT: "Deleterious"; PolyPhen-2: "Probably Damaging"; Align-GVGD: "Class C0"). This variant has not been reported in the literature in individuals with KCNMA1-related conditions. This variant is not present in population databases (ExAC no frequency). This sequence change replaces cysteine with tyrosine at codon 693 of the KCNMA1 protein (p.Cys693Tyr). The cysteine residue is highly conserved and there is a large physicochemical difference between cysteine and tyrosine.